The following is an entry in ClinVar:

NM_004239.4(TRIP11):c.2075A>G (p.Gln692Arg)

Gene: TRIP11 (thyroid hormone receptor interactor 11; minus strand). Cytogenetic location: 14q32.12.
Variant type: single nucleotide variant.
Coding change: c.2075A>G on transcript NM_004239.4 (MANE Select); coding-DNA position 2075, A replaced by G.
Protein change: p.Gln692Arg; replaces glutamine 692 with arginine.
Molecular consequence: missense variant.
Genome position (GRCh38, 1-based): chr14:92,005,901, T>C on the plus strand (A>G on the coding strand, the complement: TRIP11 is on the minus strand). VCF-style: chr14-92005901-T-C. GRCh37 (hg19) VCF-style: chr14-92472245-T-C.
Other names: c.2072A>G, p.Gln691Arg (NM_001321851.1); c.2075A>G (NM_004239.3); short protein forms Q692R, Q691R.
Identifiers: ClinVar variation 1429352 (VCV001429352.27), dbSNP rs369502177, ClinGen allele CA7313836.

ClinVar aggregate classification (germline): Conflicting classifications of pathogenicity. Review status: criteria provided, conflicting classifications (1 of 4 stars). 3 submissions from 3 submitters: Uncertain significance (2); Likely benign (1). Last evaluated 2024-12-16.

Conditions:
Achondrogenesis, type IA (ACG1A). Identifiers: Orphanet 932, Orphanet 93299, MedGen C0265273, MONDO:0008701, OMIM 200600.

Allele frequency attached by ClinVar (database versions not stated): gnomAD 0.00001 and 0.00004; TOPMed 0.00002; gnomAD exomes 0.00005 and 0.00007; ExAC 0.00006; ESP Exome Variant Server 0.00008.
gnomAD v4.1: 107 of 1,613,928 alleles (0.0066%); highest among the groups gnomAD compares: South Asian, 0.048%; 1 homozygote.

Submissions (3):

GeneDx
Classification: Uncertain significance. Last evaluated: 2024-12-16. Review status: criteria provided, single submitter. Criteria: GeneDx Variant Classification Process June 2021. Collection method: clinical testing. Allele origin: germline. Affected: yes.
Comment: In silico analysis indicates that this missense variant does not alter protein structure/function; Has not been previously published as pathogenic or benign to our knowledge

CeGaT Center for Human Genetics Tuebingen
Classification: Likely benign. Last evaluated: 2023-12-01. Review status: criteria provided, single submitter. Criteria: CeGaT Center For Human Genetics Tuebingen Variant Classification Criteria Version 2. Collection method: clinical testing. Allele origin: germline. Affected: yes. Observed: 1 variant allele.
Comment: TRIP11: BP4

Labcorp Genetics (formerly Invitae), Labcorp
Classification: Uncertain significance for Achondrogenesis, type IA. Last evaluated: 2022-11-01. Review status: criteria provided, single submitter. Criteria: Invitae Variant Classification Sherloc (09022015). Collection method: clinical testing. Allele origin: germline.
Comment: This sequence change replaces glutamine, which is neutral and polar, with arginine, which is basic and polar, at codon 692 of the TRIP11 protein (p.Gln692Arg). This variant is present in population databases (rs369502177, gnomAD 0.02%), including at least one homozygous and/or hemizygous individual. This variant has not been reported in the literature in individuals affected with TRIP11-related conditions. ClinVar contains an entry for this variant (Variation ID: 1429352). Advanced modeling of protein sequence and biophysical properties (such as structural, functional, and spatial information, amino acid conservation, physicochemical variation, residue mobility, and thermodynamic stability) performed at Invitae indicates that this missense variant is not expected to disrupt TRIP11 protein function. In summary, the available evidence is currently insufficient to determine the role of this variant in disease. Therefore, it has been classified as a Variant of Uncertain Significance.